The following is an entry in ClinVar:

NM_002485.5(NBN):c.835C>T (p.Gln279Ter)

Gene: NBN (nibrin; minus strand). Cytogenetic location: 8q21.3.
Variant type: single nucleotide variant.
Coding change: c.835C>T on transcript NM_002485.5 (MANE Select); coding-DNA position 835, C replaced by T.
Protein change: p.Gln279Ter; replaces glutamine 279 with a stop codon.
Molecular consequence: nonsense.
Genome position (GRCh38, 1-based): chr8:89,970,425, G>A on the plus strand (C>T on the coding strand, the complement: NBN is on the minus strand). VCF-style: chr8-89970425-G-A. GRCh37 (hg19) VCF-style: chr8-90982653-G-A.
Other names: c.589C>T, p.Gln197Ter (NM_001024688.3); short protein forms Q197*, Q279*.
Identifiers: ClinVar variation 1801527 (VCV001801527.3), dbSNP rs1586086585, ClinGen allele CA371658487.

ClinVar aggregate classification (germline): Pathogenic/Likely pathogenic. Review status: criteria provided, multiple submitters, no conflicts (2 of 4 stars). 3 submissions from 3 submitters: Pathogenic (1); Likely pathogenic (1). 1 of the submissions does not count toward it. Last evaluated 2025-06-05.

Conditions:
Gastric cancer. Also called: Stomach cancer; Malignant tumor of stomach. Identifiers: MedGen C0024623, MeSH D013274, MONDO:0001056, OMIM 613659, HP:0012126.
Microcephaly, normal intelligence and immunodeficiency (NBS). Also called: IMMUNODEFICIENCY, MICROCEPHALY, AND CHROMOSOMAL INSTABILITY; SEEMANOVA SYNDROME II; Nijmegen breakage syndrome; Microcephaly with normal intelligence immunodeficiency and lymphoreticular malignancies; Nonsyndromal microcephaly autosomal recessive with normal intelligence; Seemanova syndrome 2. Identifiers: Orphanet 647, MedGen C0398791, MONDO:0009623, OMIM 251260.

Submissions (3):

Natera, Inc.
Classification: Likely pathogenic for Nijmegen breakage syndrome. Last evaluated: 2025-06-05. Review status: criteria provided, single submitter. Criteria: Natera Variant Classification Schema (03/2026). Collection method: clinical testing. Allele origin: germline.
Comment: The c.835C>T variant in NBN is a nonsense variant predicted to introduce a stop codon at amino acid 279. This variant is expected to result in nonsense mediated decay, truncation, or a dysfunctional protein product. This variant is rare in the general population with a frequency below the threshold expected for the associated phenotype(s). Given the available evidence, this variant is classified as Likely Pathogenic.

Myriad Genetics, Inc.
Classification: Pathogenic for Microcephaly, normal intelligence and immunodeficiency. Last evaluated: 2025-05-31. Review status: criteria provided, single submitter. Criteria: Myriad Autosomal Dominant, Autosomal Recessive and X-Linked Classification Criteria (2023). Collection method: clinical testing. Allele origin: unknown.
Comment: NM_002485.4(NBN):c.835C>T(Q279*) is expected to be pathogenic in the context of Nijmegen breakage syndrome. This variant is predicted to lead to an abnormal or absent protein product due to the creation of a premature termination codon in NBN, a gene where loss-of-function variants are known to be pathogenic. Please note: this variant was assessed in the context of healthy population screening.

Laboratory for Genotyping Development, RIKEN
Classification: Pathogenic for Gastric cancer. Last evaluated: 2021-07-01. Review status: no assertion criteria provided. Collection method: research. Allele origin: germline. Not counted in ClinVar's aggregate classification.

Literature cited by the submitters: PubMed 36988593 (cited by Laboratory for Genotyping Development, RIKEN).